The following is an entry in ClinVar:

ClinVar aggregate classification (germline): Likely benign. Review status: criteria provided, multiple submitters, no conflicts (2 of 4 stars). 3 submissions from 3 submitters: Likely benign (3). Last evaluated 2025-10-06.

gnomAD v4.1: 172 of 1,613,816 alleles (0.011%); highest among the groups gnomAD compares: Non-Finnish European, 0.014%; no homozygotes.

Submissions (3):

Labcorp Genetics (formerly Invitae), Labcorp
Classification: Likely benign. Last evaluated: 2025-10-06. Review status: criteria provided, single submitter. Criteria: Invitae Variant Classification Sherloc (09022015). Collection method: clinical testing. Allele origin: germline.

CeGaT Center for Human Genetics Tuebingen
Classification: Likely benign. Last evaluated: 2025-02-01. Review status: criteria provided, single submitter. Criteria: CeGaT Center For Human Genetics Tuebingen Variant Classification Criteria Version 2. Collection method: clinical testing. Allele origin: germline. Affected: yes. Observed: 2 variant alleles.
Comment: CDH23: BP4, BP7

Blueprint Genetics
Classification: Likely benign. Last evaluated: 2023-09-18. Review status: criteria provided, single submitter. Criteria: ACMG Guidelines, 2015. Collection method: clinical testing. Allele origin: germline.

NM_022124.6(CDH23):c.6927C>A (p.Ala2309=)

Gene: CDH23 (cadherin related 23; plus strand). Cytogenetic location: 10q22.1.
Variant type: single nucleotide variant.
Coding change: c.6927C>A on transcript NM_022124.6 (MANE Select); coding-DNA position 6927, C replaced by A.
Protein change: p.Ala2309=; no amino-acid change (alanine 2309 retained).
Molecular consequence: synonymous variant.
Genome position (GRCh38, 1-based): chr10:71,798,451, C>A. VCF-style: chr10-71798451-C-A. GRCh37 (hg19) VCF-style: chr10-73558208-C-A.
Other names: c.207C>A, p.Ala69= (NM_001171933.1, NM_001171934.1).
Identifiers: ClinVar variation 1116792 (VCV001116792.33), dbSNP rs765133274, ClinGen allele CA5546223.